The following is an entry in ClinVar:

ClinVar aggregate classification (germline): Uncertain significance. Review status: criteria provided, multiple submitters, no conflicts (2 of 4 stars). 2 submissions from 2 submitters: Uncertain significance (2). Last evaluated 2021-09-01.

Conditions:
Ehlers-Danlos syndrome, kyphoscoliotic type 1 (EDSKSCL1). Also called: EHLERS-DANLOS SYNDROME, TYPE VIA; PLOD1-Related Kyphoscoliotic Ehlers-Danlos Syndrome; EHLERS-DANLOS SYNDROME, OCULAR-SCOLIOTIC TYPE; Ehlers-Danlos syndrome, hydroxylysine-deficient. Identifiers: Orphanet 1900, MedGen C0268342, MONDO:0016002, OMIM 225400. Disease mechanism: loss of function.

Submissions (2):

Labcorp Genetics (formerly Invitae), Labcorp
Classification: Uncertain significance for Ehlers-Danlos syndrome, kyphoscoliotic type 1. Last evaluated: 2021-09-01. Review status: criteria provided, single submitter. Criteria: Invitae Variant Classification Sherloc (09022015). Collection method: clinical testing. Allele origin: germline.
Comment: This sequence change replaces asparagine with lysine at codon 498 of the PLOD1 protein (p.Asn498Lys). The asparagine residue is highly conserved and there is a moderate physicochemical difference between asparagine and lysine. This variant is not present in population databases (ExAC no frequency). This variant has not been reported in the literature in individuals affected with PLOD1-related conditions. ClinVar contains an entry for this variant (Variation ID: 1029783). Algorithms developed to predict the effect of missense changes on protein structure and function (SIFT, PolyPhen-2, Align-GVGD) all suggest that this variant is likely to be disruptive. Algorithms developed to predict the effect of sequence changes on RNA splicing suggest that this variant may create or strengthen a splice site. In summary, the available evidence is currently insufficient to determine the role of this variant in disease. Therefore, it has been classified as a Variant of Uncertain Significance.

Baylor Genetics
Classification: Uncertain significance for Ehlers-Danlos syndrome, kyphoscoliotic type 1. Last evaluated: 2019-07-03. Review status: criteria provided, single submitter. Criteria: ACMG Guidelines, 2015. Collection method: clinical testing. Allele origin: maternal. Affected: yes.
Comment: This variant was determined to be of uncertain significance according to ACMG Guidelines, 2015 [PMID:25741868].

NM_000302.4(PLOD1):c.1494C>G (p.Asn498Lys)

Gene: PLOD1 (procollagen-lysine,2-oxoglutarate 5-dioxygenase 1; plus strand). Cytogenetic location: 1p36.22.
Variant type: single nucleotide variant.
Coding change: c.1494C>G on transcript NM_000302.4 (MANE Select); coding-DNA position 1494, C replaced by G.
Protein change: p.Asn498Lys; replaces asparagine 498 with lysine.
Molecular consequence: missense variant.
Genome position (GRCh38, 1-based): chr1:11,965,503, C>G. VCF-style: chr1-11965503-C-G. GRCh37 (hg19) VCF-style: chr1-12025560-C-G.
Other names: c.1635C>G, p.Asn545Lys (NM_001316320.2); short protein forms N498K, N545K.
Identifiers: ClinVar variation 1029783 (VCV001029783.6), dbSNP rs1645810603, ClinGen allele CA338444489.